The following is an entry in ClinVar:

ClinVar aggregate classification (germline): Pathogenic (0 of 4 stars; one submission).

Conditions:
Norman-Roberts syndrome (LIS2). Also called: Lissencephaly 2 (Norman-Roberts type). Identifiers: Orphanet 89844, MedGen C0796089, MONDO:0009760, OMIM 257320.

Allele frequency attached by ClinVar (database versions not stated): gnomAD exomes below 0.00001; TOPMed 0.00001.
gnomAD v4.1: 2 of 1,613,710 alleles (0.00012%); highest among the groups gnomAD compares: Non-Finnish European, 0.00017%; no homozygotes.

Submission:

Laboratory Genomica, Gynecology and Assisted Reproduction Hospital Malinov DM
Classification: Pathogenic for Norman-Roberts syndrome. Last evaluated: 2015-12-21. Review status: no assertion criteria provided. Collection method: clinical testing. Allele origin: germline. Inheritance: Autosomal recessive inheritance. Affected: yes. Observed: 1 variant allele, 1 homozygote.
Comment: The mutation affects the conserved +1 position after exon 39.

NM_005045.4(RELN):c.5969+1G>A

Gene: RELN (reelin; minus strand). Cytogenetic location: 7q22.1.
Variant type: single nucleotide variant.
Coding change: c.5969+1G>A on transcript NM_005045.4 (MANE Select); the canonical splice donor site of the intron after coding-DNA position 5969, G replaced by A.
Molecular consequence: splice donor variant.
Genome position (GRCh38, 1-based): chr7:103,553,659, C>T on the plus strand (G>A on the coding strand, the complement: RELN is on the minus strand). VCF-style: chr7-103553659-C-T. GRCh37 (hg19) VCF-style: chr7-103194106-C-T.
Other names: c.5969+1G>A (NM_173054.3).
Identifiers: ClinVar variation 225550 (VCV000225550.3), dbSNP rs869320767, ClinGen allele CA358678.
Genomic context (GRCh38, chr7:103,553,659, plus strand): 5'-GCAAAAGTTCATCATGATTTGTATACAGCAGTGGTTTTATTTTTAGATTCTTAATACTTA[C>T]GGTGCCCCCTTTGAAGAATATGGACAATAAAGACCGATGTTACCACCAGGATAGAAAAAC-3'